The following is an entry in ClinVar:

NM_198271.5(LMOD3):c.127G>A (p.Ala43Thr)

Genes: LMOD3 (leiomodin 3; minus strand), LOC126806710 (CDK7 strongly-dependent group 2 enhancer GRCh37_chr3:69170601-69171800; plus strand). Cytogenetic location: 3p14.1.
Variant type: single nucleotide variant.
Coding change: c.127G>A on transcript NM_198271.5 (MANE Select); coding-DNA position 127, G replaced by A.
Protein change: p.Ala43Thr; replaces alanine 43 with threonine.
Molecular consequence: missense variant.
Genome position (GRCh38, 1-based): chr3:69,122,260, C>T on the plus strand (G>A on the coding strand, the complement: LMOD3 is on the minus strand). VCF-style: chr3-69122260-C-T. GRCh37 (hg19) VCF-style: chr3-69171411-C-T.
Other names: c.127G>A, p.Ala43Thr (NM_001304418.3); short protein forms A43T.
Identifiers: ClinVar variation 1032594 (VCV001032594.1), dbSNP rs2092411822, ClinGen allele CA353479445.

ClinVar aggregate classification (germline): Uncertain significance (1 of 4 stars; one submission).

Conditions:
Nemaline myopathy 10 (NEM10). Identifiers: MedGen C4015360, MONDO:0014513, OMIM 616165.

Allele frequency attached by ClinVar (database versions not stated): TOPMed below 0.00001.

Submission:

Baylor Genetics
Classification: Uncertain significance for Nemaline myopathy 10. Last evaluated: 2018-03-25. Review status: criteria provided, single submitter. Criteria: ACMG Guidelines, 2015. Collection method: clinical testing. Allele origin: unknown. Affected: yes.
Comment: This variant was determined to be of uncertain significance according to ACMG Guidelines, 2015 [PMID:25741868].